The following is an entry in ClinVar:

NM_007294.4(BRCA1):c.3547A>G (p.Lys1183Glu)

Genes: BRCA1 (BRCA1 DNA repair associated; minus strand), LOC126862571 (BRD4-independent group 4 enhancer GRCh37_chr17:41243136-41244335; plus strand). Cytogenetic location: 17q21.31.
Variant type: single nucleotide variant.
Coding change: c.3547A>G on transcript NM_007294.4 (MANE Select); coding-DNA position 3547, A replaced by G.
Protein change: p.Lys1183Glu; replaces lysine 1183 with glutamic acid.
Molecular consequence: missense variant. On other transcripts: intron variant (135).
Genome position (GRCh38, 1-based): chr17:43,091,984, T>C on the plus strand (A>G on the coding strand, the complement: BRCA1 is on the minus strand). VCF-style: chr17-43091984-T-C. GRCh37 (hg19) VCF-style: chr17-41244001-T-C.
Other names: c.3334A>G, p.Lys1112Glu (NM_001407571.1, NM_001407853.1, NM_001407894.1 and 9 more transcripts); c.3547A>G, p.Lys1183Glu (NM_001407581.1, NM_001407582.1, NM_001407583.1 and 30 more transcripts); c.3544A>G, p.Lys1182Glu (NM_001407587.1, NM_001407590.1, NM_001407591.1 and 22 more transcripts); c.3538A>G, p.Lys1180Glu (NM_001407646.1, NM_001407647.1); c.3424A>G, p.Lys1142Glu (NM_001407648.1, NM_001407664.1, NM_001407665.1 and 19 more transcripts); c.3421A>G, p.Lys1141Glu (NM_001407649.1, NM_001407670.1, NM_001407671.1 and 11 more transcripts); c.3469A>G, p.Lys1157Glu (NM_001407653.1, NM_001407654.1, NM_001407655.1 and 4 more transcripts); c.3466A>G, p.Lys1156Glu (NM_001407659.1, NM_001407660.1, NM_001407661.1 and 1 more transcripts); and 41 more; short protein forms K1056E, K1094E, K1157E, K1180E, K887E, K1015E, K1055E, K1095E.
Identifiers: ClinVar variation 2015377 (VCV002015377.7), dbSNP rs2154304256, ClinGen allele CA10594872.

ClinVar aggregate classification (germline): Conflicting classifications of pathogenicity. Review status: criteria provided, conflicting classifications (1 of 4 stars). 3 submissions from 3 submitters: Uncertain significance (2); Likely benign (1). Last evaluated 2025-08-19.

Conditions:
Hereditary cancer-predisposing syndrome. Also called: Hereditary Cancer Syndrome; Neoplastic Syndromes, Hereditary; Hereditary neoplastic syndrome; Tumor predisposition. Identifiers: Orphanet 140162, MedGen C0027672, MeSH D009386, MONDO:0015356.
Hereditary breast ovarian cancer syndrome. Also called: Hereditary breast and/or ovarian cancer syndrome; Hereditary breast and ovarian cancer syndrome; BRCA1- and BRCA2-Associated Hereditary Breast and Ovarian Cancer; Breast and ovarian cancer; Hereditary breast and ovarian cancer; Hereditary breast and ovarian cancer syndrome (HBOC). Identifiers: Orphanet 145, MedGen C0677776, MeSH D061325, MONDO:0003582. Disease mechanism: loss of function.

Submissions (3):

Ambry Genetics
Classification: Uncertain significance for Hereditary cancer-predisposing syndrome. Last evaluated: 2025-08-19. Review status: criteria provided, single submitter. Criteria: Ambry Variant Classification Scheme 2023. Collection method: clinical testing. Allele origin: germline.
Comment: The p.K1183E variant (also known as c.3547A>G), located in coding exon 9 of the BRCA1 gene, results from an A to G substitution at nucleotide position 3547. The lysine at codon 1183 is replaced by glutamic acid, an amino acid with similar properties. This amino acid position is not well conserved in available vertebrate species. In addition, this alteration is predicted to be tolerated by in silico analysis. Based on the available evidence, the clinical significance of this variant remains unclear.

University of Washington Department of Laboratory Medicine, University of Washington
Classification: Likely benign for Hereditary cancer-predisposing syndrome. Last evaluated: 2023-03-23. Review status: criteria provided, single submitter. Criteria: Dines et al. (Genet Med. 2020). Collection method: curation. Allele origin: germline.
Comment: Missense variant in a coldspot region where missense variants are very unlikely to be pathogenic (PMID:31911673).

BRCA1 coldspot (exon 11 using historical exon numbering). Reclassification based on statistical prior probability

Labcorp Genetics (formerly Invitae), Labcorp
Classification: Uncertain significance for Hereditary breast ovarian cancer syndrome. Last evaluated: 2022-08-10. Review status: criteria provided, single submitter. Criteria: Invitae Variant Classification Sherloc (09022015). Collection method: clinical testing. Allele origin: germline.
Comment: In summary, the available evidence is currently insufficient to determine the role of this variant in disease. Therefore, it has been classified as a Variant of Uncertain Significance. Advanced modeling of protein sequence and biophysical properties (such as structural, functional, and spatial information, amino acid conservation, physicochemical variation, residue mobility, and thermodynamic stability) performed at Invitae indicates that this missense variant is not expected to disrupt BRCA1 protein function. This variant has not been reported in the literature in individuals affected with BRCA1-related conditions. This variant is not present in population databases (gnomAD no frequency). This sequence change replaces lysine, which is basic and polar, with glutamic acid, which is acidic and polar, at codon 1183 of the BRCA1 protein (p.Lys1183Glu).